The following is an entry in ClinVar:

ClinVar aggregate classification (germline): Uncertain significance (1 of 4 stars; one submission).

Conditions:
Hereditary cancer-predisposing syndrome. Also called: Neoplastic Syndromes, Hereditary; Tumor predisposition; Hereditary Cancer Syndrome; Hereditary neoplastic syndrome. Identifiers: Orphanet 140162, MedGen C0027672, MeSH D009386, MONDO:0015356.

Submission:

Color Diagnostics, LLC DBA Color Health
Classification: Uncertain significance for Hereditary cancer-predisposing syndrome. Last evaluated: 2023-12-04. Review status: criteria provided, single submitter. Criteria: ACMG Guidelines, 2015. Collection method: clinical testing. Allele origin: germline.
Comment: This missense variant replaces methionine with isoleucine at codon 3248 of the BRCA2 protein. Computational prediction suggests that this variant may not impact protein structure and function (internally defined REVEL score threshold <= 0.5, PMID: 27666373). To our knowledge, functional studies have not been reported for this variant. This variant has not been reported in individuals affected with BRCA2-related disorders in the literature. This variant has not been identified in the general population by the Genome Aggregation Database (gnomAD). The available evidence is insufficient to determine the role of this variant in disease conclusively. Therefore, this variant is classified as a Variant of Uncertain Significance.

NM_000059.4(BRCA2):c.9744G>C (p.Met3248Ile)

Gene: BRCA2 (BRCA2 DNA repair associated; plus strand). Cytogenetic location: 13q13.1.
Variant type: single nucleotide variant.
Coding change: c.9744G>C on transcript NM_000059.4 (MANE Select); coding-DNA position 9744, G replaced by C.
Protein change: p.Met3248Ile; replaces methionine 3248 with isoleucine.
Molecular consequence: missense variant.
Genome position (GRCh38, 1-based): chr13:32,398,257, G>C. VCF-style: chr13-32398257-G-C. GRCh37 (hg19) VCF-style: chr13-32972394-G-C.
Other names: short protein forms M3248I.
Identifiers: ClinVar variation 922066 (VCV000922066.4), dbSNP rs863224602, ClinGen allele CA387765628.
Genomic context (GRCh38, chr13:32,398,257, plus strand): 5'-TCCTTTATCACTTTGTATGGCCAAAAGGAAGTCTGTTTCCACACCTGTCTCAGCCCAGAT[G>C]ACTTCAAAGTCTTGTAAAGGGGAGAAAGAGATTGATGACCAAAAGAACTGCAAAAAGAGA-3'
Protein context (NP_000050.3, residues 3238-3258): KSVSTPVSAQ[Met3248Ile]TSKSCKGEKE